The following is an entry in ClinVar:

NM_174936.4(PCSK9):c.1792G>T (p.Ala598Ser)

Gene: PCSK9 (proprotein convertase subtilisin/kexin type 9; plus strand). Cytogenetic location: 1p32.3.
Variant type: single nucleotide variant.
Coding change: c.1792G>T on transcript NM_174936.4 (MANE Select); coding-DNA position 1792, G replaced by T.
Protein change: p.Ala598Ser; replaces alanine 598 with serine.
Molecular consequence: missense variant.
Genome position (GRCh38, 1-based): chr1:55,061,485, G>T. VCF-style: chr1-55061485-G-T. GRCh37 (hg19) VCF-style: chr1-55527158-G-T.
Other names: c.1915G>T, p.Ala639Ser (NM_001407240.1); c.1834G>T, p.Ala612Ser (NM_001407241.1); c.1795G>T, p.Ala599Ser (NM_001407242.1); c.1735G>T, p.Ala579Ser (NM_001407243.1); c.1618G>T, p.Ala540Ser (NM_001407244.1); c.1600G>T, p.Ala534Ser (NM_001407245.1); c.1417G>T, p.Ala473Ser (NM_001407246.1); c.1291G>T, p.Ala431Ser (NM_001407247.1); short protein forms A598S, A431S, A534S, A540S, A639S, A612S, A473S, A579S.
Identifiers: ClinVar variation 961681 (VCV000961681.11), dbSNP rs367606156, ClinGen allele CA340480378.

ClinVar aggregate classification (germline): Uncertain significance (1 of 4 stars; one submission).

Conditions:
Hypercholesterolemia, autosomal dominant, 3 (FHCL3). Also called: Familial hypercholesterolemia 3; Familial Hypercholesterolemia, Autosomal Dominant, 3; PCSK9-Related Familial Hypercholesterolemia, Autosomal Dominant. Identifiers: MedGen C1863551, MONDO:0011369, OMIM 603776.

Submission:

Labcorp Genetics (formerly Invitae), Labcorp
Classification: Uncertain significance for Hypercholesterolemia, autosomal dominant, 3. Last evaluated: 2019-10-07. Review status: criteria provided, single submitter. Criteria: Invitae Variant Classification Sherloc (09022015). Collection method: clinical testing. Allele origin: germline.
Comment: This sequence change replaces alanine with serine at codon 598 of the PCSK9 protein (p.Ala598Ser). The alanine residue is moderately conserved and there is a moderate physicochemical difference between alanine and serine. This variant is not present in population databases (ExAC no frequency). This variant has not been reported in the literature in individuals with PCSK9-related conditions. Algorithms developed to predict the effect of missense changes on protein structure and function (SIFT, PolyPhen-2, Align-GVGD) all suggest that this variant is likely to be tolerated, but these predictions have not been confirmed by published functional studies and their clinical significance is uncertain. In summary, the available evidence is currently insufficient to determine the role of this variant in disease. Therefore, it has been classified as a Variant of Uncertain Significance.